The following is an entry in ClinVar:

NM_000433.4(NCF2):c.1486G>C (p.Glu496Gln)

Gene: NCF2 (neutrophil cytosolic factor 2; minus strand). Cytogenetic location: 1q25.3.
Variant type: single nucleotide variant.
Coding change: c.1486G>C on transcript NM_000433.4 (MANE Select); coding-DNA position 1486, G replaced by C.
Protein change: p.Glu496Gln; replaces glutamic acid 496 with glutamine.
Molecular consequence: missense variant.
Genome position (GRCh38, 1-based): chr1:183,556,213, C>G on the plus strand (G>C on the coding strand, the complement: NCF2 is on the minus strand). VCF-style: chr1-183556213-C-G. GRCh37 (hg19) VCF-style: chr1-183525348-C-G.
Other names: c.1486G>C, p.Glu496Gln (NM_001127651.3); c.1243G>C, p.Glu415Gln (NM_001190789.2); c.1351G>C, p.Glu451Gln (NM_001190794.2); short protein forms E415Q, E451Q, E496Q.
Identifiers: ClinVar variation 1383787 (VCV001383787.5), dbSNP rs1482490757, ClinGen allele CA343703439.

ClinVar aggregate classification (germline): Uncertain significance (1 of 4 stars; one submission).

Conditions:
Granulomatous disease, chronic, autosomal recessive, cytochrome b-positive, type 2. Also called: Chronic Granulomatous Disease, Autosomal Recessive, Cytochrome b-Positive, Type II; CGD, AUTOSOMAL RECESSIVE CYTOCHROME b-POSITIVE, TYPE II; GRANULOMATOUS DISEASE, CHRONIC, DUE TO NCF2 DEFICIENCY; Chronic granulomatous disease due to deficiency of NCF-2; GRANULOMATOUS DISEASE, CHRONIC, AUTOSOMAL RECESSIVE, 2. Identifiers: Orphanet 379, MedGen C1856245, MONDO:0009310, OMIM 233710.

Allele frequency attached by ClinVar (database versions not stated): gnomAD exomes below 0.00001.
gnomAD v4.1: 19 of 1,614,156 alleles (0.0012%); highest among the groups gnomAD compares: Non-Finnish European, 0.0016%; no homozygotes.

Submission:

Labcorp Genetics (formerly Invitae), Labcorp
Classification: Uncertain significance for Granulomatous disease, chronic, autosomal recessive, cytochrome b-positive, type 2. Last evaluated: 2022-08-16. Review status: criteria provided, single submitter. Criteria: Invitae Variant Classification Sherloc (09022015). Collection method: clinical testing. Allele origin: germline.
Comment: This sequence change replaces glutamic acid, which is acidic and polar, with glutamine, which is neutral and polar, at codon 496 of the NCF2 protein (p.Glu496Gln). This variant is present in population databases (no rsID available, gnomAD 0.0009%). This variant has not been reported in the literature in individuals affected with NCF2-related conditions. ClinVar contains an entry for this variant (Variation ID: 1383787). Algorithms developed to predict the effect of missense changes on protein structure and function (SIFT, PolyPhen-2, Align-GVGD) all suggest that this variant is likely to be disruptive. In summary, the available evidence is currently insufficient to determine the role of this variant in disease. Therefore, it has been classified as a Variant of Uncertain Significance.